The following is an entry in ClinVar:

ClinVar aggregate classification (germline): Pathogenic. Review status: reviewed by expert panel (3 of 4 stars). 3 submissions from 3 submitters: Pathogenic (1). 2 of the submissions do not count toward it. Last evaluated 2016-09-08.

Conditions:
Hereditary cancer-predisposing syndrome. Also called: Hereditary Cancer Syndrome; Hereditary neoplastic syndrome; Neoplastic Syndromes, Hereditary; Tumor predisposition. Identifiers: Orphanet 140162, MedGen C0027672, MeSH D009386, MONDO:0015356.
Hereditary breast ovarian cancer syndrome. Also called: BRCA1- and BRCA2-Associated Hereditary Breast and Ovarian Cancer; Hereditary breast and ovarian cancer syndrome; Hereditary breast and ovarian cancer syndrome (HBOC); Breast and ovarian cancer; Hereditary breast and/or ovarian cancer syndrome; Hereditary breast and ovarian cancer. Identifiers: Orphanet 145, MedGen C0677776, MeSH D061325, MONDO:0003582. Disease mechanism: loss of function.
Breast-ovarian cancer, familial, susceptibility to, 1 (BROVCA1). Also called: BRCA1 Hereditary Breast and Ovarian Cancer; OVARIAN CANCER, SUSCEPTIBILITY TO. Identifiers: Orphanet 145, MedGen C2676676, MONDO:0011450, OMIM 604370. Disease mechanism: loss of function.

Submissions (3):

Evidence-based Network for the Interpretation of Germline Mutant Alleles (ENIGMA)
Classification: Pathogenic for Breast-ovarian cancer, familial, susceptibility to, 1. Last evaluated: 2016-09-08. Review status: reviewed by expert panel. Criteria: ENIGMA BRCA1/2 Classification Criteria (2015). Collection method: curation. Allele origin: germline.
Comment: Variant allele predicted to encode a truncated non-functional protein.

Ambry Genetics
Classification: Pathogenic for Hereditary cancer-predisposing syndrome. Last evaluated: 2025-03-14. Review status: criteria provided, single submitter. Criteria: Ambry Variant Classification Scheme 2023. Collection method: clinical testing. Allele origin: germline. Not counted in ClinVar's aggregate classification.
Comment: The c.5112delT pathogenic mutation, located in coding exon 16 of the BRCA1 gene, results from a deletion of one nucleotide at nucleotide position 5112, causing a translational frameshift with a predicted alternate stop codon (p.L1705*). This variant was identified in an individual diagnosed with breast cancer (Rodriguez RC et al. Fam. Cancer 2008; 7:275-9). This alteration is expected to result in loss of function by premature protein truncation or nonsense-mediated mRNA decay. As such, this alteration is interpreted as a disease-causing mutation.

Labcorp Genetics (formerly Invitae), Labcorp
Classification: Pathogenic for Hereditary breast ovarian cancer syndrome. Last evaluated: 2017-05-23. Review status: criteria provided, single submitter. Criteria: Invitae Variant Classification Sherloc (09022015). Collection method: clinical testing. Allele origin: germline. Not counted in ClinVar's aggregate classification.
Comment: This sequence change creates a premature translational stop signal (p.Leu1705*) in the BRCA1 gene. It is expected to result in an absent or disrupted protein product. This variant is not present in population databases (ExAC no frequency). This variant has been reported in an individual affected with breast cancer (PMID: 18286383). ClinVar contains an entry for this variant (Variation ID: 55404). This variant is also known as c.5231delT in the literature. Loss-of-function variants in BRCA1 are known to be pathogenic (PMID: 20104584). For these reasons, this variant has been classified as Pathogenic.

Literature cited by the submitters: PubMed 18286383 (cited by Ambry Genetics and Labcorp Genetics (formerly Invitae), Labcorp); PubMed 20104584 (cited by Labcorp Genetics (formerly Invitae), Labcorp).

NM_007294.4(BRCA1):c.5112del (p.Phe1704_Leu1705insTer)

Gene: BRCA1 (BRCA1 DNA repair associated; minus strand). Cytogenetic location: 17q21.31.
Variant type: Deletion.
Coding change: c.5112del on transcript NM_007294.4 (MANE Select); coding-DNA position 5112, one base deleted (T; older notation c.5112delT).
Protein change: p.Phe1704_Leu1705insTer.
Molecular consequence: frameshift variant. On other transcripts: nonsense (364), non-coding transcript variant (1).
Genome position (GRCh38, 1-based): chr17:43,063,914, A deleted on the plus strand (T on the coding strand, the reverse complement: BRCA1 is on the minus strand); the first of 4 consecutive A bases (chr17:43,063,914-43,063,917); deleting any one gives the same sequence. VCF-style (leftmost placement, unchanged base first): chr17-43063913-GA-G. GRCh37 (hg19) VCF-style: chr17-41215930-GA-G.
Other names: c.5112delT (NM_007294.3); c.1719delT, p.Leu575Terfs (NM_001408416.1, NM_001408412.1, NM_001408413.1 and 2 more transcripts); c.1683delT, p.Leu563Terfs (NM_001408418.1, NM_001408419.1, NM_001408420.1); c.1680delT, p.Leu562Terfs (NM_001408421.1, NM_001408422.1, NM_001408423.1 and 1 more transcripts); c.1677delT, p.Leu561Terfs (NM_001408425.1, NM_001408426.1, NM_001408427.1 and 4 more transcripts); c.1674delT, p.Leu560Terfs (NM_001408432.1, NM_001408433.1, NM_001408434.1 and 10 more transcripts); c.1671delT, p.Leu559Terfs (NM_001408445.1, NM_001408446.1, NM_001408447.1 and 2 more transcripts); c.1665delT, p.Leu557Terfs (NM_001408451.1); and 75 more.
Identifiers: ClinVar variation 55404 (VCV000055404.16), dbSNP rs397509228, ClinGen allele CA003245.